The following is an entry in ClinVar:

ClinVar aggregate classification (germline): Uncertain significance (1 of 4 stars; one submission).

Conditions:
Primary ciliary dyskinesia 6. Also called: Primary Ciliary Dyskinesia 6: TXNDC3-Related Primary Ciliary Dyskinesia. Identifiers: Orphanet 244, MedGen C1970506, MONDO:0012571, OMIM 610852.

Allele frequency attached by ClinVar (database versions not stated): gnomAD exomes 0.00001; gnomAD 0.00002.

Submission:

Labcorp Genetics (formerly Invitae), Labcorp
Classification: Uncertain significance for Primary ciliary dyskinesia 6. Last evaluated: 2025-06-19. Review status: criteria provided, single submitter. Criteria: Invitae Variant Classification Sherloc (09022015). Collection method: clinical testing. Allele origin: germline.
Comment: This sequence change creates a premature translational stop signal (p.Glu55*) in the NME8 gene. It is expected to result in an absent or disrupted protein product. However, the current clinical and genetic evidence is not sufficient to establish whether loss-of-function variants in NME8 cause disease. This variant is not present in population databases (gnomAD no frequency). This variant has not been reported in the literature in individuals affected with NME8-related conditions. ClinVar contains an entry for this variant (Variation ID: 2712134). Algorithms developed to predict the effect of sequence changes on RNA splicing suggest that this variant may disrupt the consensus splice site. In summary, the available evidence is currently insufficient to determine the role of this variant in disease. Therefore, it has been classified as a Variant of Uncertain Significance.

NM_016616.5(NME8):c.161_162insCTGAAAAAAT (p.Asn54_Glu55insTer)

Gene: NME8 (NME/NM23 family member 8; plus strand). Cytogenetic location: 7p14.1.
Variant type: Insertion.
Coding change: c.161_162insCTGAAAAAAT on transcript NM_016616.5 (MANE Select); coding-DNA positions 161 to 162, CTGAAAAAAT inserted.
Protein change: p.Asn54_Glu55insTer.
Molecular consequence: nonsense, inframe insertion.
Genome position: GRCh38 VCF-style: chr7-37850698-A-ACTGAAAAAAT. GRCh37 (hg19) VCF-style: chr7-37890300-A-ACTGAAAAAAT.
Identifiers: ClinVar variation 2712134 (VCV002712134.3), dbSNP rs1554360789, ClinGen allele CA838191948.
Genomic context (GRCh38, chr7:37,850,698, plus strand): 5'-TTTACCAAGCCTGGTGTGGACCTTGCAGAGCAATGCAACCTTTATTCAGAAAATTGAAAA[A>ACTGAAAAAAT]TGAACTGAACGAAGACGAAATTCTGCATTTTGCTGTCGTAAGAATTTTGTTTTCATTAAA-3'